The following is an entry in ClinVar:

NM_000312.4(PROC):c.419G>C (p.Cys140Ser)

Gene: PROC (protein C, inactivator of coagulation factors Va and VIIIa; plus strand). Cytogenetic location: 2q14.3.
Variant type: single nucleotide variant.
Coding change: c.419G>C on transcript NM_000312.4 (MANE Select); coding-DNA position 419, G replaced by C.
Protein change: p.Cys140Ser; replaces cysteine 140 with serine.
Molecular consequence: missense variant. On other transcripts: intron variant (1).
Genome position (GRCh38, 1-based): chr2:127,423,292, G>C. VCF-style: chr2-127423292-G-C. GRCh37 (hg19) VCF-style: chr2-128180868-G-C.
Other names: c.602G>C, p.Cys201Ser (NM_001375602.1); c.584G>C, p.Cys195Ser (NM_001375603.1); c.482G>C, p.Cys161Ser (NM_001375604.1); c.521G>C, p.Cys174Ser (NM_001375605.1); c.587G>C, p.Cys196Ser (NM_001375606.1); c.605G>C, p.Cys202Ser (NM_001375607.1); c.395G>C, p.Cys132Ser (NM_001375609.1); c.413G>C, p.Cys138Ser (NM_001375610.1); and 2 more; short protein forms C140S, C196S, C202S, C132S, C174S, C195S, C201S, C138S.
Identifiers: ClinVar variation 1482483 (VCV001482483.8), dbSNP rs747735192, ClinGen allele CA348399705.

ClinVar aggregate classification (germline): Uncertain significance (1 of 4 stars; one submission).

Conditions:
Thrombophilia due to protein C deficiency, autosomal dominant. Also called: PROC DEFICIENCY, AUTOSOMAL DOMINANT; PROTEIN C DEFICIENCY, AUTOSOMAL DOMINANT. Identifiers: Orphanet 745, MedGen C2674321, MONDO:0008316, OMIM 176860. Disease mechanism: loss of function.

Submission:

Labcorp Genetics (formerly Invitae), Labcorp
Classification: Uncertain significance for Thrombophilia due to protein C deficiency, autosomal dominant. Last evaluated: 2021-04-24. Review status: criteria provided, single submitter. Criteria: Invitae Variant Classification Sherloc (09022015). Collection method: clinical testing. Allele origin: germline.
Comment: In summary, the available evidence is currently insufficient to determine the role of this variant in disease. Therefore, it has been classified as a Variant of Uncertain Significance. Algorithms developed to predict the effect of missense changes on protein structure and function (SIFT, PolyPhen-2, Align-GVGD) all suggest that this variant is likely to be disruptive, but these predictions have not been confirmed by published functional studies and their clinical significance is uncertain. This variant has been observed in individual(s) with protein C deficiency (Invitae). This variant is not present in population databases (ExAC no frequency). This sequence change replaces cysteine with serine at codon 140 of the PROC protein (p.Cys140Ser). The cysteine residue is highly conserved and there is a moderate physicochemical difference between cysteine and serine.